The following is an entry in ClinVar:

NM_000214.3(JAG1):c.3308del (p.Thr1103fs)

Gene: JAG1 (jagged canonical Notch ligand 1; minus strand). Cytogenetic location: 20p12.2.
Variant type: Deletion.
Coding change: c.3308del on transcript NM_000214.3 (MANE Select); coding-DNA position 3308, one base deleted (C; older notation c.3308delC).
Protein change: p.Thr1103fs; shifts the reading frame from threonine 1103.
Molecular consequence: frameshift variant.
Genome position (GRCh38, 1-based): chr20:10,639,847, G deleted on the plus strand (C on the coding strand, the reverse complement: JAG1 is on the minus strand). VCF-style (leftmost placement, unchanged base first): chr20-10639846-TG-T. GRCh37 (hg19) VCF-style: chr20-10620494-TG-T.
Other names: c.3308_3309delinsA (NM_000214.2); c.3308del, p.Thr1103fs (LRG_1191t1); short protein forms T1103fs.
Identifiers: ClinVar variation 213546 (VCV000213546.1), dbSNP rs869312854, ClinGen allele CA320046.

ClinVar aggregate classification (germline): Uncertain significance (1 of 4 stars; one submission).

Submission:

GeneDx
Classification: Uncertain significance. Last evaluated: 2013-01-22. Review status: criteria provided, single submitter. Criteria: GeneDx Variant Classification (06012015). Collection method: clinical testing. Allele origin: germline. Affected: yes.
Comment: c.3308_3309delCAinsAC: p.Thr1103Asn (T1103N) in exon 26 of the JAG1 gene (NM_000214.2). The normal sequence with the bases that are deleted in braces and the bases that are inserted in brackets is: CACA{CA}[AC]CACT. The T1103N variant is a conservative substitution of a one neutral, polar amino acid for another at a residue that is not conserved across species. In silico analysis predicts T1103N is likely benign. A variant in a nearby codon (H1104Q) has been reported in one individual with isolated tetrology of Fallot, however the study also noted the lack of conservation across species in this region of the protein and suggest H1104Q may be a rare benign variant (Bauer et al., 2010). The NHLBI Exome Variant Server reports the T1103N variant was not detected in approximately 6,000 samples from individuals of European and African American ancestry. However, data from ethnically-matched control individuals were not available to assess for a population-specific benign variant. Therefore, T1103N is interpreted as a variant of unknown significance.